The following is an entry in ClinVar:

NM_001378120.1(MBD5):c.718A>G (p.Arg240Gly)

Gene: MBD5 (methyl-CpG binding domain protein 5; plus strand). Cytogenetic location: 2q23.1.
Variant type: single nucleotide variant.
Coding change: c.718A>G on transcript NM_001378120.1 (MANE Select); coding-DNA position 718, A replaced by G.
Protein change: p.Arg240Gly; replaces arginine 240 with glycine.
Molecular consequence: missense variant.
Genome position (GRCh38, 1-based): chr2:148,468,661, A>G. VCF-style: chr2-148468661-A-G. GRCh37 (hg19) VCF-style: chr2-149226230-A-G.
Other names: c.718A>G, p.Arg240Gly (NM_018328.5); short protein forms R240G.
Identifiers: ClinVar variation 468785 (VCV000468785.11), dbSNP rs767317924, ClinGen allele CA1899919.

ClinVar aggregate classification (germline): Conflicting classifications of pathogenicity. Review status: criteria provided, conflicting classifications (1 of 4 stars). 3 submissions from 3 submitters: Uncertain significance (2); Likely benign (1). Last evaluated 2025-11-17.

Conditions:
Inborn genetic diseases. Identifiers: MedGen C0950123, MeSH D030342.
Intellectual developmental disorder, autosomal dominant 1. Also called: MBD5 Haploinsufficiency; Intellectual disability, autosomal dominant 1. Identifiers: Orphanet 228402, MedGen C1969562, MONDO:0007974, OMIM 156200.

Allele frequency attached by ClinVar (database versions not stated): gnomAD exomes 0.00001; TOPMed 0.00001; ExAC 0.00001; gnomAD 0.00002.
gnomAD v4.1: 9 of 1,613,798 alleles (0.00056%); highest among the groups gnomAD compares: Admixed American, 0.012%; no homozygotes.

Submissions (3):

Labcorp Genetics (formerly Invitae), Labcorp
Classification: Uncertain significance for Intellectual developmental disorder, autosomal dominant 1. Last evaluated: 2025-11-17. Review status: criteria provided, single submitter. Criteria: Invitae Variant Classification Sherloc (09022015). Collection method: clinical testing. Allele origin: germline.
Comment: This sequence change replaces arginine, which is basic and polar, with glycine, which is neutral and non-polar, at codon 240 of the MBD5 protein (p.Arg240Gly). This variant is present in population databases (rs767317924, gnomAD 0.003%). This variant has not been reported in the literature in individuals affected with MBD5-related conditions. ClinVar contains an entry for this variant (Variation ID: 468785). Invitae Evidence Modeling of protein sequence and biophysical properties (such as structural, functional, and spatial information, amino acid conservation, physicochemical variation, residue mobility, and thermodynamic stability) indicates that this missense variant is not expected to disrupt MBD5 protein function with a negative predictive value of 80%. In summary, the available evidence is currently insufficient to determine the role of this variant in disease. Therefore, it has been classified as a Variant of Uncertain Significance.

Ambry Genetics
Classification: Likely benign for Inborn genetic diseases. Last evaluated: 2018-11-27. Review status: criteria provided, single submitter. Criteria: Ambry Variant Classification Scheme 2023. Collection method: clinical testing. Allele origin: germline.

Baylor Genetics
Classification: Uncertain significance for Intellectual developmental disorder, autosomal dominant 1. Last evaluated: 2018-09-28. Review status: criteria provided, single submitter. Criteria: ACMG Guidelines, 2015. Collection method: clinical testing. Allele origin: maternal. Affected: yes.
Comment: This variant was determined to be of uncertain significance according to ACMG Guidelines, 2015 [PMID:25741868].